The following is an entry in ClinVar:

ClinVar aggregate classification (germline): Uncertain significance (1 of 4 stars; one submission).

Conditions:
Familial thoracic aortic aneurysm and aortic dissection (TAAD). Also called: Thoracic aortic aneurysms and dissections. Identifiers: Orphanet 91387, MedGen C4707243, MONDO:0019625.

Submission:

Ambry Genetics
Classification: Uncertain significance for Familial thoracic aortic aneurysm and aortic dissection. Last evaluated: 2025-02-22. Review status: criteria provided, single submitter. Criteria: Ambry Variant Classification Scheme 2023. Collection method: clinical testing. Allele origin: germline.
Comment: The p.L1053V variant (also known as c.3157C>G), located in coding exon 24 of the MYH11 gene, results from a C to G substitution at nucleotide position 3157. The leucine at codon 1053 is replaced by valine, an amino acid with highly similar properties. This amino acid position is conserved. In addition, this alteration is predicted to be tolerated by in silico analysis. Based on the available evidence, the clinical significance of this variant remains unclear.

NM_002474.3(MYH11):c.3157C>G (p.Leu1053Val)

Gene: MYH11 (myosin heavy chain 11; minus strand). Cytogenetic location: 16p13.11.
Variant type: single nucleotide variant.
Coding change: c.3157C>G on transcript NM_002474.3 (MANE Select); coding-DNA position 3157, C replaced by G.
Protein change: p.Leu1053Val; replaces leucine 1053 with valine.
Molecular consequence: missense variant.
Genome position (GRCh38, 1-based): chr16:15,737,585, G>C on the plus strand (C>G on the coding strand, the complement: MYH11 is on the minus strand). VCF-style: chr16-15737585-G-C. GRCh37 (hg19) VCF-style: chr16-15831442-G-C.
Other names: c.3178C>G, p.Leu1060Val (NM_001040113.2, NM_001040114.2); c.3157C>G, p.Leu1053Val (NM_022844.3); short protein forms L1060V, L1053V.
Identifiers: ClinVar variation 3876303 (VCV003876303.1).